The following is an entry in ClinVar:

NM_003542.4(H4C3):c.274A>C (p.Lys92Gln)

Gene: H4C3 (H4 clustered histone 3; plus strand). Cytogenetic location: 6p22.2.
Variant type: single nucleotide variant.
Coding change: c.274A>C on transcript NM_003542.4 (MANE Select); coding-DNA position 274, A replaced by C.
Protein change: p.Lys92Gln; replaces lysine 92 with glutamine.
Molecular consequence: missense variant.
Genome position (GRCh38, 1-based): chr6:26,104,221, A>C. VCF-style: chr6-26104221-A-C. GRCh37 (hg19) VCF-style: chr6-26104449-A-C.
Other names: H4C3, LYS92GLN; short protein forms K92Q.
Identifiers: ClinVar variation 976699 (VCV000976699.5), dbSNP rs1763200003, ClinGen allele CA363181779.
Genomic context (GRCh38, chr6:26,104,221, plus strand): 5'-ACCTATACGGAGCACGCCAAGCGCAAAACTGTCACAGCCATGGATGTAGTATATGCCCTA[A>C]AACGTCAGGGGCGCACTCTGTATGGCTTCGGCGGCTGAATCTAAGAATACGCGGTCTCCT-3'
Protein context (NP_003533.1, residues 82-102): VTAMDVVYAL[Lys92Gln]RQGRTLYGFG

ClinVar aggregate classification (germline): Pathogenic/Likely pathogenic. Review status: criteria provided, multiple submitters, no conflicts (2 of 4 stars). 3 submissions from 3 submitters: Pathogenic (1); Likely pathogenic (1). 1 of the submissions does not count toward it. Last evaluated 2020-03-16.

Conditions:
Tessadori-van Haaften neurodevelopmental syndrome 1 (TEBIVANED1). Also called: TESSADORI-BICKNELL-VAN HAAFTEN NEURODEVELOPMENTAL SYNDROME 1. Identifiers: MedGen C5676922, MONDO:0030729, OMIM 619758.
HIST1H4C-associated disorder.
HIST1H4C-related disorders.

Submissions (3):

Institute of Human Genetics Munich, TUM University Hospital
Classification: Pathogenic for HIST1H4C-associated disorder. Last evaluated: 2020-03-16. Review status: criteria provided, single submitter. Criteria: Classification criteria August 2017. Collection method: clinical testing. Allele origin: de novo. Inheritance: Autosomal dominant inheritance. Affected: yes. Observed: 1 heterozygote.

Blueprint Genetics
Classification: Likely pathogenic for HIST1H4C-related disorders. Last evaluated: 2019-08-20. Review status: criteria provided, single submitter. Criteria: ACMG Guidelines, 2015. Collection method: clinical testing. Allele origin: germline. Affected: yes. Observed: 1 variant allele.

OMIM
Classification: Pathogenic for TESSADORI-BICKNELL-VAN HAAFTEN NEURODEVELOPMENTAL SYNDROME 1. Last evaluated: 2023-03-21. Review status: no assertion criteria provided. Collection method: literature only. Allele origin: germline. Not counted in ClinVar's aggregate classification.

Literature cited by the submitters: PubMed 28920961 (cited by OMIM); PubMed 35202563 (cited by OMIM).